The following is an entry in ClinVar:

NM_001042492.3(NF1):c.6640G>T (p.Glu2214Ter)

Gene: NF1 (neurofibromin 1; plus strand). Cytogenetic location: 17q11.2.
Variant type: single nucleotide variant.
Coding change: c.6640G>T on transcript NM_001042492.3 (MANE Select); coding-DNA position 6640, G replaced by T.
Protein change: p.Glu2214Ter; replaces glutamic acid 2214 with a stop codon.
Molecular consequence: nonsense.
Genome position (GRCh38, 1-based): chr17:31,337,580, G>T. VCF-style: chr17-31337580-G-T. GRCh37 (hg19) VCF-style: chr17-29664598-G-T.
Other names: c.6577G>T, p.Glu2193Ter (NM_000267.4); short protein forms E2193*, E2214*.
Identifiers: ClinVar variation 3653109 (VCV003653109.2).

ClinVar aggregate classification (germline): Pathogenic (1 of 4 stars; one submission).

Conditions:
Neurofibromatosis, type 1 (NF1). Also called: Peripheral type neurofibromatosis; VON RECKLINGHAUSEN DISEASE; NEUROFIBROMATOSIS, TYPE I, SOMATIC; Neurofibromatosis, type I. Identifiers: Orphanet 636, MedGen C0027831, MONDO:0018975, OMIM 162200. Disease mechanism: loss of function.

Submission:

Labcorp Genetics (formerly Invitae), Labcorp
Classification: Pathogenic for Neurofibromatosis, type 1. Last evaluated: 2025-04-30. Review status: criteria provided, single submitter. Criteria: Invitae Variant Classification Sherloc (09022015). Collection method: clinical testing. Allele origin: germline.
Comment: This sequence change creates a premature translational stop signal (p.Glu2193*) in the NF1 gene. It is expected to result in an absent or disrupted protein product. Loss-of-function variants in NF1 are known to be pathogenic (PMID: 10712197, 23913538). This variant is not present in population databases (gnomAD no frequency). This variant has not been reported in the literature in individuals affected with NF1-related conditions. ClinVar contains an entry for this variant (Variation ID: 3653109). Algorithms developed to predict the effect of sequence changes on RNA splicing suggest that this variant may disrupt the consensus splice site. For these reasons, this variant has been classified as Pathogenic.

Literature cited by the submitters: PubMed 10712197; PubMed 23913538.